The following is an entry in ClinVar:

NM_001172509.2(SATB2):c.1022_1029del (p.Asn341fs)

Gene: SATB2 (SATB homeobox 2; minus strand). Cytogenetic location: 2q33.1.
Variant type: Deletion.
Coding change: c.1022_1029del on transcript NM_001172509.2 (MANE Select); coding-DNA positions 1022 to 1029, 8 bases deleted (ACCATCCA; older notation c.1022_1029delACCATCCA).
Protein change: p.Asn341fs; shifts the reading frame from asparagine 341.
Molecular consequence: frameshift variant.
Genome position (GRCh38, 1-based): chr2:199,348,845-199,348,852, TGGATGGT deleted on the plus strand (ACCATCCA on the coding strand, the reverse complement: SATB2 is on the minus strand); deleting any 8 consecutive bases within chr2:199,348,845-199,348,853 gives the same sequence; the c. name uses the placement nearest the transcript's 3' end. VCF-style (leftmost placement, unchanged base first): chr2-199348844-GTGGATGGT-G. GRCh37 (hg19) VCF-style: chr2-200213567-GTGGATGGT-G.
Other names: c.1022_1029del, p.Asn341fs (NM_001172517.1, NM_015265.4); short protein forms N341fs.
Identifiers: ClinVar variation 3063580 (VCV003063580.1), dbSNP rs2468896696, ClinGen allele CA2740096408.
Genomic context (GRCh38, chr2:199,348,844, plus strand): 5'-TATCTGGAGAGACTTCCACGGAAGAGTTGGTTGGCTCTGGCTTAACTGCTCTGGGGATGG[GTGGATGGT>G]TCAGGAACTGCTGGTTGATGGCTTGAGGATGCTGGTGAGCCAGGAGCCGGCTAACGGCAA-3'

ClinVar aggregate classification (germline): Likely pathogenic (1 of 4 stars; one submission).

Conditions:
Chromosome 2q32-q33 deletion syndrome (GLASS). Also called: 2q33.1 deletion syndrome; Glass syndrome. Identifiers: Orphanet 251019, MedGen C2676739, MONDO:0012864, OMIM 612313.

Submission:

Institute of Immunology and Genetics Kaiserslautern
Classification: Likely pathogenic for Chromosome 2q32-q33 deletion syndrome. Last evaluated: 2024-03-15. Review status: criteria provided, single submitter. Criteria: ACMG Guidelines, 2015. Collection method: clinical testing. Allele origin: germline. Affected: yes.
Comment: ACMG Criteria: PM2, PVS1; Variant was found in heterozygous state